The following is an entry in ClinVar:

NM_001346754.2(PIGW):c.1210G>A (p.Gly404Arg)

Genes: MYO19 (myosin XIX; minus strand), PIGW (phosphatidylinositol glycan anchor biosynthesis class W; plus strand). Cytogenetic location: 17q12.
Variant type: single nucleotide variant.
Coding change: c.1210G>A on transcript NM_001346754.2 (MANE Select); coding-DNA position 1210, G replaced by A.
Protein change: p.Gly404Arg; replaces glycine 404 with arginine.
Molecular consequence: missense variant.
Genome position (GRCh38, 1-based): chr17:36,538,311, G>A. VCF-style: chr17-36538311-G-A. GRCh37 (hg19) VCF-style: chr17-34894160-G-A.
Other names: c.1210G>A, p.Gly404Arg (NM_001346755.2, NM_178517.5); short protein forms G404R.
Identifiers: ClinVar variation 1412121 (VCV001412121.4), dbSNP rs200125663, ClinGen allele CA290116666.

ClinVar aggregate classification (germline): Conflicting classifications of pathogenicity. Review status: criteria provided, conflicting classifications (1 of 4 stars). 2 submissions from 2 submitters: Uncertain significance (1); Likely benign (1). Last evaluated 2026-07-01.

Conditions:
Hyperphosphatasia with intellectual disability syndrome 5 (GPIBD11). Also called: GLYCOSYLPHOSPHATIDYLINOSITOL BIOSYNTHESIS DEFECT 11. Identifiers: Orphanet 247262, MedGen C4014958, MONDO:0014457, OMIM 616025.

Allele frequency attached by ClinVar (database versions not stated): gnomAD 0.00001; gnomAD exomes 0.00005 and 0.00024; TOPMed 0.00013; 1000 Genomes Project 0.00020; ExAC 0.00021; 1000 Genomes Project 30x 0.00031.
gnomAD v4.1: 67 of 1,613,500 alleles (0.0042%); highest among the groups gnomAD compares: Admixed American, 0.11%; no homozygotes.

Submissions (2):

CeGaT Center for Human Genetics Tuebingen
Classification: Likely benign. Last evaluated: 2026-07-01. Review status: criteria provided, single submitter. Criteria: CeGaT Center For Human Genetics Tuebingen Variant Classification Criteria Version 2. Collection method: clinical testing. Allele origin: germline. Affected: yes. Observed: 1 variant allele.
Comment: PIGW: BP4

Labcorp Genetics (formerly Invitae), Labcorp
Classification: Uncertain significance for Hyperphosphatasia with intellectual disability syndrome 5. Last evaluated: 2022-08-16. Review status: criteria provided, single submitter. Criteria: Invitae Variant Classification Sherloc (09022015). Collection method: clinical testing. Allele origin: germline.
Comment: This sequence change replaces glycine, which is neutral and non-polar, with arginine, which is basic and polar, at codon 404 of the PIGW protein (p.Gly404Arg). This variant is present in population databases (rs200125663, gnomAD 0.2%). This variant has not been reported in the literature in individuals affected with PIGW-related conditions. ClinVar contains an entry for this variant (Variation ID: 1412121). Algorithms developed to predict the effect of missense changes on protein structure and function (SIFT, PolyPhen-2, Align-GVGD) all suggest that this variant is likely to be tolerated. Algorithms developed to predict the effect of sequence changes on RNA splicing suggest that this variant may create or strengthen a splice site. In summary, the available evidence is currently insufficient to determine the role of this variant in disease. Therefore, it has been classified as a Variant of Uncertain Significance.